The following is an entry in ClinVar:

ClinVar aggregate classification (germline): Uncertain significance. Review status: criteria provided, multiple submitters, no conflicts (2 of 4 stars). 3 submissions from 3 submitters: Uncertain significance (3). Last evaluated 2025-07-07.

Conditions:
Hereditary cancer-predisposing syndrome. Also called: Neoplastic Syndromes, Hereditary; Hereditary neoplastic syndrome; Tumor predisposition; Hereditary Cancer Syndrome. Identifiers: Orphanet 140162, MedGen C0027672, MeSH D009386, MONDO:0015356.
Fanconi anemia complementation group J. Also called: BRIP1-Related Fanconi Anemia. Identifiers: Orphanet 84, MedGen C1836860, MONDO:0012187, OMIM 609054.
Familial cancer of breast. Also called: BREAST CANCER, FAMILIAL; hereditary breast carcinoma; Hereditary breast cancer. Identifiers: Orphanet 227535, MedGen C0346153, MONDO:0016419, OMIM 114480. Disease mechanism: loss of function.

Allele frequency attached by ClinVar (database versions not stated): TOPMed below 0.00001.

Submissions (3):

Labcorp Genetics (formerly Invitae), Labcorp
Classification: Uncertain significance for Familial cancer of breast; Fanconi anemia complementation group J. Last evaluated: 2025-07-07. Review status: criteria provided, single submitter. Criteria: Invitae Variant Classification Sherloc (09022015). Collection method: clinical testing. Allele origin: germline.
Comment: This sequence change replaces alanine, which is neutral and non-polar, with aspartic acid, which is acidic and polar, at codon 776 of the BRIP1 protein (p.Ala776Asp). This variant is not present in population databases (gnomAD no frequency). This missense change has been observed in individual(s) with ovarian cancer (PMID: 36531003). ClinVar contains an entry for this variant (Variation ID: 530292). Invitae Evidence Modeling of protein sequence and biophysical properties (such as structural, functional, and spatial information, amino acid conservation, physicochemical variation, residue mobility, and thermodynamic stability) indicates that this missense variant is expected to disrupt BRIP1 protein function with a positive predictive value of 95%. In summary, the available evidence is currently insufficient to determine the role of this variant in disease. Therefore, it has been classified as a Variant of Uncertain Significance.

Color Diagnostics, LLC DBA Color Health
Classification: Uncertain significance for Hereditary cancer-predisposing syndrome. Last evaluated: 2025-05-21. Review status: criteria provided, single submitter. Criteria: ACMG Guidelines, 2015. Collection method: clinical testing. Allele origin: germline.
Comment: This missense variant replaces alanine with aspartic acid at codon 776 of the BRIP1 protein. Computational prediction suggests that this variant may have deleterious impact on protein structure and function. To our knowledge, functional studies have not been reported for this variant. This variant has not been reported in individuals affected with BRIP1-related disorders in the literature. This variant has not been identified in the general population by the Genome Aggregation Database (gnomAD). The available evidence is insufficient to determine the role of this variant in disease conclusively. Therefore, this variant is classified as a Variant of Uncertain Significance.

Ambry Genetics
Classification: Uncertain significance for Hereditary cancer-predisposing syndrome. Last evaluated: 2024-07-03. Review status: criteria provided, single submitter. Criteria: Ambry Variant Classification Scheme 2023. Collection method: clinical testing. Allele origin: germline.
Comment: The p.A776D variant (also known as c.2327C>A), located in coding exon 15 of the BRIP1 gene, results from a C to A substitution at nucleotide position 2327. The alanine at codon 776 is replaced by aspartic acid, an amino acid with dissimilar properties. This variant was identified in a patient diagnosed with high grade serous carcinoma (Andrikopoulou A et al. Front Oncol, 2022 Dec;12:1030786). This amino acid position is highly conserved in available vertebrate species. In addition, this alteration is predicted to be deleterious by in silico analysis. Based on the available evidence, the clinical significance of this variant remains unclear.

Literature cited by the submitters: PubMed 36531003 (cited by Labcorp Genetics (formerly Invitae), Labcorp and Ambry Genetics).

NM_032043.3(BRIP1):c.2327C>A (p.Ala776Asp)

Gene: BRIP1 (BRCA1 interacting DNA helicase 1; minus strand). Cytogenetic location: 17q23.2.
Variant type: single nucleotide variant.
Coding change: c.2327C>A on transcript NM_032043.3 (MANE Select); coding-DNA position 2327, C replaced by A.
Protein change: p.Ala776Asp; replaces alanine 776 with aspartic acid.
Molecular consequence: missense variant.
Genome position (GRCh38, 1-based): chr17:61,743,065, G>T on the plus strand (C>A on the coding strand, the complement: BRIP1 is on the minus strand). VCF-style: chr17-61743065-G-T. GRCh37 (hg19) VCF-style: chr17-59820426-G-T.
Other names: short protein forms A776D.
Identifiers: ClinVar variation 530292 (VCV000530292.17), dbSNP rs1555590421, ClinGen allele CA400482624.